The following is an entry in ClinVar:

NM_000436.4(OXCT1):c.173C>T (p.Thr58Met)

Gene: OXCT1 (3-oxoacid CoA-transferase 1; minus strand). Cytogenetic location: 5p13.1.
Variant type: single nucleotide variant.
Coding change: c.173C>T on transcript NM_000436.4 (MANE Select); coding-DNA position 173, C replaced by T.
Protein change: p.Thr58Met; replaces threonine 58 with methionine.
Molecular consequence: missense variant. On other transcripts: non-coding transcript variant (1).
Genome position (GRCh38, 1-based): chr5:41,862,656, G>A on the plus strand (C>T on the coding strand, the complement: OXCT1 is on the minus strand). VCF-style: chr5-41862656-G-A. GRCh37 (hg19) VCF-style: chr5-41862758-G-A.
Other names: c.173C>T, p.Thr58Met (NM_001364299.2, NM_001364301.2, NM_001364302.2); c.194C>T, p.Thr65Met (NM_001364300.2); short protein forms T58M, T65M.
Identifiers: ClinVar variation 242800 (VCV000242800.29), dbSNP rs75134564, ClinGen allele CA031340.

ClinVar aggregate classification (germline): Benign. Review status: criteria provided, multiple submitters, no conflicts (2 of 4 stars). 7 submissions from 7 submitters: Benign (4). 3 of the submissions do not count toward it. Last evaluated 2026-01-15.

Conditions:
OXCT1-related disorder. Also called: OXCT1-related condition.
Succinyl-CoA acetoacetate transferase deficiency (SCOTD). Also called: 3-Oxoacid CoA Transferase Deficiency; KETOACIDOSIS DUE TO SCOT DEFICIENCY; SCOT DEFICIENCY; SUCCINYL-CoA:3-KETOACID CoA-TRANSFERASE DEFICIENCY; Succinyl CoA:3-oxoacid CoA transferase deficiency. Identifiers: Orphanet 832, MedGen C0342792, MONDO:0009492, OMIM 245050.

Allele frequency attached by ClinVar (database versions not stated): ESP Exome Variant Server 0.00008; gnomAD 0.00053 and 0.00058; TOPMed 0.00099; gnomAD exomes 0.00132; ExAC 0.00134; 1000 Genomes Project 0.00160; 1000 Genomes Project 30x 0.00172.
gnomAD v4.1: 675 of 1,606,366 alleles (0.042%); highest among the groups gnomAD compares: East Asian, 0.98%; 5 homozygotes.

Submissions (7):

Labcorp Genetics (formerly Invitae), Labcorp
Classification: Benign for Succinyl-CoA acetoacetate transferase deficiency. Last evaluated: 2026-01-15. Review status: criteria provided, single submitter. Criteria: Invitae Variant Classification Sherloc (09022015). Collection method: clinical testing. Allele origin: germline.

Fulgent Genetics
Classification: Benign for Succinyl-CoA acetoacetate transferase deficiency. Last evaluated: 2022-03-23. Review status: criteria provided, single submitter. Criteria: ACMG Guidelines, 2015. Collection method: clinical testing. Allele origin: unknown.

ARUP Laboratories, Molecular Genetics and Genomics, ARUP Laboratories
Classification: Benign. Last evaluated: 2017-09-16. Review status: criteria provided, single submitter. Criteria: ARUP Molecular Germline Variant Investigation Process. Collection method: clinical testing. Allele origin: germline.

Illumina Laboratory Services, Illumina
Classification: Benign for Succinyl-CoA acetoacetate transferase deficiency. Last evaluated: 2017-04-27. Review status: criteria provided, single submitter. Criteria: ICSL Variant Classification Criteria 13 December 2019. Collection method: clinical testing. Allele origin: germline.
Comment: This variant was observed as part of a predisposition screen in an ostensibly healthy population. A literature search was performed for the gene, cDNA change, and amino acid change (where applicable). Publications were found based on this search. The evidence from the literature, in combination with allele frequency data from public databases where available, was sufficient to rule this variant out of causing disease. Therefore, this variant is classified as benign.

PreventionGenetics, part of Exact Sciences
Classification: Benign for OXCT1-related condition. Last evaluated: 2019-07-11. Review status: no assertion criteria provided. Collection method: clinical testing. Allele origin: germline. Not counted in ClinVar's aggregate classification.
Comment: This variant is classified as benign based on ACMG/AMP sequence variant interpretation guidelines (Richards et al. 2015 PMID: 25741868, with internal and published modifications).

Mayo Clinic Laboratories, Mayo Clinic
Classification: Benign. Last evaluated: 2017-06-14. Review status: no assertion criteria provided. Collection method: clinical testing. Allele origin: unknown. Not counted in ClinVar's aggregate classification.

SingHealth Duke-NUS Institute of Precision Medicine
Classification: Likely benign for Succinyl-CoA acetoacetate transferase deficiency. Last evaluated: 2017-06-07. Review status: no assertion criteria provided. Collection method: curation. Allele origin: germline. Affected: no. Not counted in ClinVar's aggregate classification.

Literature cited by the submitters: PubMed 21296660 (cited by Illumina Laboratory Services, Illumina); PubMed 23420214 (cited by Illumina Laboratory Services, Illumina); PubMed 9671268 (cited by Illumina Laboratory Services, Illumina).